The following is an entry in ClinVar:

ClinVar aggregate classification (germline): Uncertain significance (1 of 4 stars; one submission).

gnomAD v4.1: 23 of 1,207,873 alleles (0.0019%); highest among the groups gnomAD compares: Non-Finnish European, 0.0026%; no homozygotes.

Submission:

GeneDx
Classification: Uncertain significance. Last evaluated: 2024-08-15. Review status: criteria provided, single submitter. Criteria: GeneDx Variant Classification Process June 2021. Collection method: clinical testing. Allele origin: germline. Affected: yes.
Comment: Not observed at significant frequency in large population cohorts (gnomAD); In silico analysis supports that this missense variant has a deleterious effect on protein structure/function; Has not been previously published as pathogenic or benign to our knowledge

NM_002025.4(AFF2):c.3631C>T (p.Pro1211Ser)

Gene: AFF2 (ALF transcription elongation factor 2; plus strand). Cytogenetic location: Xq28.
Variant type: single nucleotide variant.
Coding change: c.3631C>T on transcript NM_002025.4 (MANE Select); coding-DNA position 3631, C replaced by T.
Protein change: p.Pro1211Ser; replaces proline 1211 with serine.
Molecular consequence: missense variant.
Genome position (GRCh38, 1-based): chrX:148,987,374, C>T. VCF-style: chrX-148987374-C-T. GRCh37 (hg19) VCF-style: chrX-148068904-C-T.
Other names: c.3526C>T, p.Pro1176Ser (NM_001169122.2, NM_001169124.2); c.3601C>T, p.Pro1201Ser (NM_001169123.2); c.3514C>T, p.Pro1172Ser (NM_001169125.2); c.2554C>T, p.Pro852Ser (NM_001170628.1); short protein forms P1172S, P1176S, P1201S, P1211S, P852S.
Identifiers: ClinVar variation 3731238 (VCV003731238.1).